The following is an entry in ClinVar:

NM_000350.3(ABCA4):c.4258G>C (p.Asp1420His)

Gene: ABCA4 (ATP binding cassette subfamily A member 4; minus strand). Cytogenetic location: 1p22.1.
Variant type: single nucleotide variant.
Coding change: c.4258G>C on transcript NM_000350.3 (MANE Select); coding-DNA position 4258, G replaced by C.
Protein change: p.Asp1420His; replaces aspartic acid 1420 with histidine.
Molecular consequence: missense variant.
Genome position (GRCh38, 1-based): chr1:94,030,522, C>G on the plus strand (G>C on the coding strand, the complement: ABCA4 is on the minus strand). VCF-style: chr1-94030522-C-G. GRCh37 (hg19) VCF-style: chr1-94496078-C-G.
Other names: c.4036G>C, p.Asp1346His (NM_001425324.1); short protein forms D1420H, D1346H.
Identifiers: ClinVar variation 2000194 (VCV002000194.4), dbSNP rs2523727054, ClinGen allele CA341285951.
Genomic context (GRCh38, chr1:94,030,522, plus strand): 5'-AGCCTGGCTTATTCAGGAGGACGTCTGCAAGTACCGTGAACTGCTCACTGCCTGGTTCAT[C>G]CATGCTAGACAGAGTGAGACATGTGACTGGGACAGAGCAGGCGCGTGCCAACATCATGCA-3'
Protein context (NP_000341.2, residues 1410-1430): YGQQYTFFSM[Asp1420His]EPGSEQFTVL

ClinVar aggregate classification (germline): Likely pathogenic (1 of 4 stars; one submission).

Submission:

Labcorp Genetics (formerly Invitae), Labcorp
Classification: Likely pathogenic. Last evaluated: 2022-05-28. Review status: criteria provided, single submitter. Criteria: Invitae Variant Classification Sherloc (09022015). Collection method: clinical testing. Allele origin: germline.
Comment: In summary, the currently available evidence indicates that the variant is pathogenic, but additional data are needed to prove that conclusively. Therefore, this variant has been classified as Likely Pathogenic. Advanced modeling of protein sequence and biophysical properties (such as structural, functional, and spatial information, amino acid conservation, physicochemical variation, residue mobility, and thermodynamic stability) performed at Invitae indicates that this missense variant is expected to disrupt ABCA4 protein function. This missense change has been observed in individual(s) with Stargardt disease (Invitae). This variant is not present in population databases (gnomAD no frequency). This sequence change replaces aspartic acid, which is acidic and polar, with histidine, which is basic and polar, at codon 1420 of the ABCA4 protein (p.Asp1420His).